The following is an entry in ClinVar:

NM_199242.3(UNC13D):c.532del (p.Gln178fs)

Gene: UNC13D (unc-13 homolog D; minus strand). Cytogenetic location: 17q25.1.
Variant type: Deletion.
Coding change: c.532del on transcript NM_199242.3 (MANE Select); coding-DNA position 532, one base deleted (C; older notation c.532delC).
Protein change: p.Gln178fs; shifts the reading frame from glutamine 178.
Molecular consequence: frameshift variant.
Genome position (GRCh38, 1-based): chr17:75,842,470, G deleted on the plus strand (C on the coding strand, the reverse complement: UNC13D is on the minus strand); the first of 3 consecutive G bases (chr17:75,842,470-75,842,472); deleting any one gives the same sequence. VCF-style (leftmost placement, unchanged base first): chr17-75842469-TG-T. GRCh37 (hg19) VCF-style: chr17-73838550-TG-T.
Other names: c.530delC, p.Gln178Argfs (NM_199242.2); short protein forms Q178fs.
Identifiers: ClinVar variation 2736665 (VCV002736665.4), dbSNP rs746341454, ClinGen allele CA8773450.

ClinVar aggregate classification (germline): Pathogenic (1 of 4 stars; one submission).

Conditions:
Familial hemophagocytic lymphohistiocytosis 3 (FHL3). Also called: UNC13D-Related Familial Hemophagocytic Lymphohistiocytosis (UNC13D-fHLH). Identifiers: Orphanet 540, MedGen C1837174, MONDO:0012146, OMIM 608898.

Submission:

Labcorp Genetics (formerly Invitae), Labcorp
Classification: Pathogenic for Familial hemophagocytic lymphohistiocytosis 3. Last evaluated: 2024-02-23. Review status: criteria provided, single submitter. Criteria: Invitae Variant Classification Sherloc (09022015). Collection method: clinical testing. Allele origin: germline.
Comment: This sequence change creates a premature translational stop signal (p.Gln178Argfs*71) in the UNC13D gene. It is expected to result in an absent or disrupted protein product. Loss-of-function variants in UNC13D are known to be pathogenic (PMID: 14622600). This variant is present in population databases (rs746341454, gnomAD 0.004%). This premature translational stop signal has been observed in individual(s) with hemophagocytic lymphohistiocytosis (PMID: 16825436). Algorithms developed to predict the effect of sequence changes on RNA splicing suggest that this variant may disrupt the consensus splice site. For these reasons, this variant has been classified as Pathogenic.

Literature cited by the submitters: PubMed 14622600; PubMed 16825436.